The following is an entry in ClinVar:

ClinVar aggregate classification (germline): Uncertain significance (1 of 4 stars; one submission).

Submission:

Labcorp Genetics (formerly Invitae), Labcorp
Classification: Uncertain significance. Last evaluated: 2026-01-11. Review status: criteria provided, single submitter. Criteria: Invitae Variant Classification Sherloc (09022015). Collection method: clinical testing. Allele origin: germline.
Comment: This sequence change replaces asparagine, which is neutral and polar, with lysine, which is basic and polar, at codon 810 of the FCHO1 protein (p.Asn810Lys). This variant is present in population databases (no rsID available, gnomAD 0.0009%). This variant has not been reported in the literature in individuals affected with FCHO1-related conditions. An algorithm developed to predict the effect of missense changes on protein structure and function (PolyPhen-2) suggests that this variant is likely to be tolerated. Algorithms developed to predict the effect of sequence changes on RNA splicing suggest that this variant may create or strengthen a splice site. In summary, the available evidence is currently insufficient to determine the role of this variant in disease. Therefore, it has been classified as a Variant of Uncertain Significance.

NM_015122.3(FCHO1):c.2430C>G (p.Asn810Lys)

Gene: FCHO1 (FCH and mu domain containing endocytic adaptor 1; plus strand). Cytogenetic location: 19p13.11.
Variant type: single nucleotide variant.
Coding change: c.2430C>G on transcript NM_015122.3 (MANE Select); coding-DNA position 2430, C replaced by G.
Protein change: p.Asn810Lys; replaces asparagine 810 with lysine.
Molecular consequence: missense variant. On other transcripts: non-coding transcript variant (36).
Genome position (GRCh38, 1-based): chr19:17,786,577, C>G. VCF-style: chr19-17786577-C-G. GRCh37 (hg19) VCF-style: chr19-17897386-C-G.
Other names: c.2430C>G, p.Asn810Lys (NM_001161357.2, NM_001161358.2, NM_001384370.1 and 11 more transcripts); c.2280C>G, p.Asn760Lys (NM_001161359.2, NM_001384384.1, NM_001384385.1 and 1 more transcripts); c.2409C>G, p.Asn803Lys (NM_001384387.1); c.2391C>G, p.Asn797Lys (NM_001384388.1, NM_001384389.1); c.2355C>G, p.Asn785Lys (NM_001384390.1); c.2230C>G, p.Pro744Ala (NM_001384391.1); c.2313C>G, p.Asn771Lys (NM_001384392.1, NM_001384393.1, NM_001384394.1 and 1 more transcripts); c.2154C>G, p.Asn718Lys (NM_001384396.1, NM_001384397.1, NM_001384398.1 and 4 more transcripts); and 5 more; short protein forms N703K, N760K, N771K, N810K, N718K, N785K, P744A, N509K.
Identifiers: ClinVar variation 4706833 (VCV004706833.1).